The following is an entry in ClinVar:

ClinVar aggregate classification (germline): Likely benign. Review status: criteria provided, multiple submitters, no conflicts (2 of 4 stars). 2 submissions from 2 submitters: Likely benign (2). Last evaluated 2025-03-30.

Allele frequency attached by ClinVar (database versions not stated): gnomAD exomes 0.00005; ExAC 0.00014; 1000 Genomes Project 30x 0.00016; 1000 Genomes Project 0.00020; gnomAD 0.00042; TOPMed 0.00046; ESP Exome Variant Server 0.00049.
gnomAD v4.1: 149 of 1,613,936 alleles (0.0092%); highest among the groups gnomAD compares: African/African-American, 0.17%; no homozygotes.

Submissions (2):

Labcorp Genetics (formerly Invitae), Labcorp
Classification: Likely benign. Last evaluated: 2025-03-30. Review status: criteria provided, single submitter. Criteria: Invitae Variant Classification Sherloc (09022015). Collection method: clinical testing. Allele origin: germline.

CeGaT Center for Human Genetics Tuebingen
Classification: Likely benign. Last evaluated: 2022-07-01. Review status: criteria provided, single submitter. Criteria: CeGaT Center For Human Genetics Tuebingen Variant Classification Criteria Version 2. Collection method: clinical testing. Allele origin: germline. Affected: yes. Observed: 1 variant allele.
Comment: FAT1: BP4, BP7

NM_005245.4(FAT1):c.13074C>T (p.Ala4358=)

Gene: FAT1 (FAT atypical cadherin 1; minus strand). Cytogenetic location: 4q35.2.
Variant type: single nucleotide variant.
Coding change: c.13074C>T on transcript NM_005245.4 (MANE Select); coding-DNA position 13074, C replaced by T.
Protein change: p.Ala4358=; no amino-acid change (alanine 4358 retained).
Molecular consequence: synonymous variant.
Genome position (GRCh38, 1-based): chr4:186,595,753, G>A on the plus strand (C>T on the coding strand, the complement: FAT1 is on the minus strand). VCF-style: chr4-186595753-G-A. GRCh37 (hg19) VCF-style: chr4-187516907-G-A.
Identifiers: ClinVar variation 2187677 (VCV002187677.28), dbSNP rs370346177, ClinGen allele CA3164668.